The following is an entry in ClinVar:

ClinVar aggregate classification (germline): Pathogenic. Review status: criteria provided, multiple submitters, no conflicts (2 of 4 stars). 3 submissions from 3 submitters: Pathogenic (2). 1 of the submissions does not count toward it. Last evaluated 2024-10-08.

Conditions:
Xeroderma pigmentosum (XP). Identifiers: Orphanet 910, MedGen C0043346, MONDO:0019600.
Xeroderma pigmentosum group B. Also called: ERCC3-Related Xeroderma Pigmentosum; XP, GROUP B; XPB/CS; XERODERMA PIGMENTOSUM B/COCKAYNE SYNDROME. Identifiers: MedGen C0268136, MONDO:0012531, OMIM 610651.

Allele frequency attached by ClinVar (database versions not stated): TOPMed 0.00001.
gnomAD v4.1: 11 of 1,613,944 alleles (0.00068%); highest among the groups gnomAD compares: Non-Finnish European, 0.00085%; no homozygotes.

Submissions (3):

Women's Health and Genetics/Laboratory Corporation of America, LabCorp
Classification: Pathogenic for Xeroderma pigmentosum. Last evaluated: 2024-10-08. Review status: criteria provided, single submitter. Criteria: LabCorp Variant Classification Summary - May 2015. Collection method: clinical testing. Allele origin: germline.
Comment: Variant summary: ERCC3 c.583C>T (p.Arg195X) results in a premature termination codon, predicted to cause a truncation of the encoded protein or absence of the protein due to nonsense mediated decay, which are commonly known mechanisms for disease. The variant allele was found at a frequency of 1.6e-05 in 251470 control chromosomes. c.583C>T has been reported in the literature in individuals affected with ERCC3-related conditions (e.g. Yuan_2020). To our knowledge, no experimental evidence demonstrating an impact on protein function has been reported. The following publication has been ascertained in the context of this evaluation (PMID: 31541171). ClinVar contains an entry for this variant (Variation ID: 627443). Based on the evidence outlined above, the variant was classified as pathogenic.

Labcorp Genetics (formerly Invitae), Labcorp
Classification: Pathogenic. Last evaluated: 2022-05-05. Review status: criteria provided, single submitter. Criteria: Invitae Variant Classification Sherloc (09022015). Collection method: clinical testing. Allele origin: germline.
Comment: This sequence change creates a premature translational stop signal (p.Arg195*) in the ERCC3 gene. It is expected to result in an absent or disrupted protein product. Loss-of-function variants in ERCC3 are known to be pathogenic (PMID: 16947863). This variant is present in population databases (rs138385061, gnomAD 0.004%). For these reasons, this variant has been classified as Pathogenic. ClinVar contains an entry for this variant (Variation ID: 627443). This premature translational stop signal has been observed in individual(s) with clinical features of ERCC3-related conditions (PMID: 31541171).

Genetic Testing Center for Deafness, Department of Otolaryngology Head & Neck Surgery, Institute of Otolaryngology, Chinese PLA General Hospital
Classification: Pathogenic for Xeroderma pigmentosum group B. Last evaluated: 2019-02-26. Review status: no assertion criteria provided. Collection method: case-control. Allele origin: inherited. Affected: yes. Observed: 1 variant allele. Not counted in ClinVar's aggregate classification.

Literature cited by the submitters: PubMed 31541171 (cited by Women's Health and Genetics/Laboratory Corporation of America, LabCorp and Labcorp Genetics (formerly Invitae), Labcorp); PubMed 16947863 (cited by Labcorp Genetics (formerly Invitae), Labcorp).

NM_000122.2(ERCC3):c.583C>T (p.Arg195Ter)

Gene: ERCC3 (ERCC excision repair 3, TFIIH core complex helicase subunit; minus strand). Cytogenetic location: 2q14.3.
Variant type: single nucleotide variant.
Coding change: c.583C>T on transcript NM_000122.2 (MANE Select); coding-DNA position 583, C replaced by T.
Protein change: p.Arg195Ter; replaces arginine 195 with a stop codon.
Molecular consequence: nonsense.
Genome position (GRCh38, 1-based): chr2:127,289,763, G>A on the plus strand (C>T on the coding strand, the complement: ERCC3 is on the minus strand). VCF-style: chr2-127289763-G-A. GRCh37 (hg19) VCF-style: chr2-128047339-G-A.
Other names: c.391C>T, p.Arg131Ter (NM_001303416.2, NM_001303418.2); short protein forms R195*, R131*.
Identifiers: ClinVar variation 627443 (VCV000627443.6), dbSNP rs138385061, ClinGen allele CA1858507.